The following is an entry in ClinVar:

ClinVar aggregate classification (germline): Uncertain significance. Review status: criteria provided, multiple submitters, no conflicts (2 of 4 stars). 2 submissions from 2 submitters: Uncertain significance (2). Last evaluated 2025-10-23.

Conditions:
Hereditary nonpolyposis colorectal neoplasms. Identifiers: MedGen C0009405, MeSH D003123.
Hereditary cancer-predisposing syndrome. Also called: Hereditary neoplastic syndrome; Neoplastic Syndromes, Hereditary; Tumor predisposition; Hereditary Cancer Syndrome. Identifiers: Orphanet 140162, MedGen C0027672, MeSH D009386, MONDO:0015356.

Allele frequency attached by ClinVar (database versions not stated): gnomAD 0.00003; TOPMed 0.00006; ESP Exome Variant Server 0.00008.

Submissions (2):

Ambry Genetics
Classification: Uncertain significance for Hereditary cancer-predisposing syndrome. Last evaluated: 2025-10-23. Review status: criteria provided, single submitter. Criteria: Ambry Variant Classification Scheme 2023. Collection method: clinical testing. Allele origin: germline.
Comment: The p.M1326I variant (also known as c.3978G>A), located in coding exon 9 of the MSH6 gene, results from a G to A substitution at nucleotide position 3978. The methionine at codon 1326 is replaced by isoleucine, an amino acid with highly similar properties. This amino acid position is not well conserved in available vertebrate species. In addition, this alteration is predicted to be tolerated by in silico analysis. Since supporting evidence is limited at this time, the clinical significance of this alteration remains unclear.

Labcorp Genetics (formerly Invitae), Labcorp
Classification: Uncertain significance for Hereditary nonpolyposis colorectal neoplasms. Last evaluated: 2025-04-27. Review status: criteria provided, single submitter. Criteria: Invitae Variant Classification Sherloc (09022015). Collection method: clinical testing. Allele origin: germline.
Comment: This sequence change replaces methionine, which is neutral and non-polar, with isoleucine, which is neutral and non-polar, at codon 1326 of the MSH6 protein (p.Met1326Ile). This variant is present in population databases (rs141464646, gnomAD 0.01%). This variant has not been reported in the literature in individuals affected with MSH6-related conditions. ClinVar contains an entry for this variant (Variation ID: 185321). Invitae Evidence Modeling of protein sequence and biophysical properties (such as structural, functional, and spatial information, amino acid conservation, physicochemical variation, residue mobility, and thermodynamic stability) indicates that this missense variant is not expected to disrupt MSH6 protein function with a negative predictive value of 95%. In summary, the available evidence is currently insufficient to determine the role of this variant in disease. Therefore, it has been classified as a Variant of Uncertain Significance.

NM_000179.3(MSH6):c.3978G>A (p.Met1326Ile)

Gene: MSH6 (mutS homolog 6; plus strand). Cytogenetic location: 2p16.3.
Variant type: single nucleotide variant.
Coding change: c.3978G>A on transcript NM_000179.3 (MANE Select); coding-DNA position 3978, G replaced by A.
Protein change: p.Met1326Ile; replaces methionine 1326 with isoleucine.
Molecular consequence: missense variant.
Genome position (GRCh38, 1-based): chr2:47,806,628, G>A. VCF-style: chr2-47806628-G-A. GRCh37 (hg19) VCF-style: chr2-48033767-G-A.
Other names: c.3588G>A, p.Met1196Ile (NM_001281492.2); c.3072G>A, p.Met1024Ile (NM_001281493.2, NM_001281494.2); short protein forms M1326I, M1196I, M1024I.
Identifiers: ClinVar variation 185321 (VCV000185321.12), dbSNP rs141464646, ClinGen allele CA014998.